The following is an entry in ClinVar:

ClinVar aggregate classification (germline): Uncertain significance (1 of 4 stars; one submission).

Submission:

Labcorp Genetics (formerly Invitae), Labcorp
Classification: Uncertain significance. Last evaluated: 2023-10-10. Review status: criteria provided, single submitter. Criteria: Invitae Variant Classification Sherloc (09022015). Collection method: clinical testing. Allele origin: germline.
Comment: This sequence change falls in intron 60 of the COL11A1 gene. It does not directly change the encoded amino acid sequence of the COL11A1 protein. It affects a nucleotide within the consensus splice site. This variant is not present in population databases (gnomAD no frequency). This variant has not been reported in the literature in individuals affected with COL11A1-related conditions. ClinVar contains an entry for this variant (Variation ID: 2127699). Variants that disrupt the consensus splice site are a relatively common cause of aberrant splicing (PMID: 17576681, 9536098). Algorithms developed to predict the effect of sequence changes on RNA splicing suggest that this variant may disrupt the consensus splice site. In summary, the available evidence is currently insufficient to determine the role of this variant in disease. Therefore, it has been classified as a Variant of Uncertain Significance.

Literature cited by the submitters: PubMed 17576681; PubMed 9536098.

NM_001854.4(COL11A1):c.4518+4del

Gene: COL11A1 (collagen type XI alpha 1 chain; minus strand). Cytogenetic location: 1p21.1.
Variant type: Deletion.
Coding change: c.4518+4del on transcript NM_001854.4 (MANE Select); 4 bases into the intron after coding-DNA position 4518, one base deleted (A; older notation c.4518+4delA).
Molecular consequence: intron variant.
Genome position (GRCh38, 1-based): chr1:102,888,862, T deleted on the plus strand (A on the coding strand, the reverse complement: COL11A1 is on the minus strand); the first of 2 consecutive T bases (chr1:102,888,862-102,888,863); deleting either gives the same sequence. VCF-style (leftmost placement, unchanged base first): chr1-102888861-CT-C. GRCh37 (hg19) VCF-style: chr1-103354417-CT-C.
Other names: c.4401+4del (NM_001190709.2); c.4554+4del (NM_080629.3); c.4170+4del (NM_080630.4).
Identifiers: ClinVar variation 2127699 (VCV002127699.4), dbSNP rs2524247607, ClinGen allele CA2580060714.
Genomic context (GRCh38, chr1:102,888,861, plus strand): 5'-ATTTGTGTCTCTGTTATATTTGTAACTTAACCCTACCTTATAAGGTTATTTTGTCTTGTA[CT>C]TACTGGTAAACCTGGAGGACCAGGTGGACCTAAGGGACCAGCAGGACCAGGAATTCCCTA-3'